The following is an entry in ClinVar:

NC_000009.11:g.(?_328002)_(336738_?)dup

Gene: DOCK8 (dedicator of cytokinesis 8; plus strand). Cytogenetic location: 9p24.3.
Variant type: Duplication.
Identifiers: ClinVar variation 3245232 (VCV003245232.1).

ClinVar aggregate classification (germline): Uncertain significance (1 of 4 stars; one submission).

Submission:

Labcorp Genetics (formerly Invitae), Labcorp
Classification: Uncertain significance. Last evaluated: 2024-01-06. Review status: criteria provided, single submitter. Criteria: Invitae Variant Classification Sherloc (09022015). Collection method: clinical testing. Allele origin: unknown.
Comment: This variant results in a copy number gain of the genomic region encompassing exon(s) 9-12 of the DOCK8 gene. While the exact position of this variant cannot be determined from the data, sub-genic copy number gains are generally in tandem (PMID: 25640679). This variant is predicted to be in-frame, and likely preserves the integrity of the reading frame. This variant has not been reported in the literature in individuals affected with DOCK8-related conditions. In summary, the available evidence is currently insufficient to determine the role of this variant in disease. Therefore, it has been classified as a Variant of Uncertain Significance.

Literature cited by the submitters: PubMed 25640679.